The following is an entry in ClinVar:

NM_020778.5(ALPK3):c.3211G>A (p.Val1071Ile)

Gene: ALPK3 (alpha kinase 3; plus strand). Cytogenetic location: 15q25.3.
Variant type: single nucleotide variant.
Coding change: c.3211G>A on transcript NM_020778.5 (MANE Select); coding-DNA position 3211, G replaced by A.
Protein change: p.Val1071Ile; replaces valine 1071 with isoleucine.
Molecular consequence: missense variant.
Genome position (GRCh38, 1-based): chr15:84,857,949, G>A. VCF-style: chr15-84857949-G-A. GRCh37 (hg19) VCF-style: chr15-85401180-G-A.
Other names: short protein forms V1071I.
Identifiers: ClinVar variation 4089018 (VCV004089018.2).

ClinVar aggregate classification (germline): Uncertain significance. Review status: criteria provided, multiple submitters, no conflicts (2 of 4 stars). 2 submissions from 2 submitters: Uncertain significance (2). Last evaluated 2026-09-14.

Conditions:
Primary familial hypertrophic cardiomyopathy (HCM). Identifiers: Orphanet 99739, MedGen C0949658, MeSH D024741, MONDO:0024573. Inheritance: Various modes of inheritance.
Cardiovascular phenotype. Identifiers: MedGen CN230736.

gnomAD v4.1: 2 of 1,609,240 alleles (0.00012%); highest among the groups gnomAD compares: East Asian, 0.0022%; no homozygotes.

Submissions (2):

Petrovsky National Research Centre of Surgery, The Federal Agency for Scientific Organizations
Classification: Uncertain significance for Primary familial hypertrophic cardiomyopathy. Last evaluated: 2026-09-14. Review status: criteria provided, single submitter. Criteria: ACMG Guidelines, 2015. Collection method: research. Allele origin: germline. Inheritance: Autosomal dominant inheritance. Affected: yes. Observed: 1 variant allele, 1 heterozygote.
Comment: Clinvar (VCV004089018.1) contains 1 entry for this variant. This variant has not been reported in any study to our knowledge. Variant NM_020778.5:c.3211G>A (p. Val1071Ile) is in the Genome Aggregation Database (gnomAD) v4.1.0 with total MAF=0.000001243 (Date of access 14-09-2026) (PM2). Computational evidence suggests no impact on gene or gene product: REVEL score=0.029<0.4 (BP4).

Ambry Genetics
Classification: Uncertain significance for Cardiovascular phenotype. Last evaluated: 2025-07-30. Review status: criteria provided, single submitter. Criteria: Ambry Variant Classification Scheme 2023. Collection method: clinical testing. Allele origin: germline.
Comment: The p.V1273I variant (also known as c.3817G>A), located in coding exon 6 of the ALPK3 gene, results from a G to A substitution at nucleotide position 3817. The valine at codon 1273 is replaced by isoleucine, an amino acid with highly similar properties. This amino acid position is conserved. In addition, this alteration is predicted to be tolerated by in silico analysis. Based on the available evidence, the clinical significance of this variant remains unclear.